The following is an entry in ClinVar:

NM_001365999.1(SZT2):c.80C>A (p.Ser27Tyr)

Gene: SZT2 (SZT2 subunit of KICSTOR complex; plus strand). Cytogenetic location: 1p34.2.
Variant type: single nucleotide variant.
Coding change: c.80C>A on transcript NM_001365999.1 (MANE Select); coding-DNA position 80, C replaced by A.
Protein change: p.Ser27Tyr; replaces serine 27 with tyrosine.
Molecular consequence: missense variant.
Genome position (GRCh38, 1-based): chr1:43,403,229, C>A. VCF-style: chr1-43403229-C-A. GRCh37 (hg19) VCF-style: chr1-43868900-C-A.
Other names: c.80C>A, p.Ser27Tyr (NM_015284.4); short protein forms S27Y.
Identifiers: ClinVar variation 2168514 (VCV002168514.4), dbSNP rs1322138668, ClinGen allele CA339994414.

ClinVar aggregate classification (germline): Uncertain significance (1 of 4 stars; one submission).

Submission:

Labcorp Genetics (formerly Invitae), Labcorp
Classification: Uncertain significance. Last evaluated: 2022-08-05. Review status: criteria provided, single submitter. Criteria: Invitae Variant Classification Sherloc (09022015). Collection method: clinical testing. Allele origin: germline.
Comment: In summary, the available evidence is currently insufficient to determine the role of this variant in disease. Therefore, it has been classified as a Variant of Uncertain Significance. Algorithms developed to predict the effect of missense changes on protein structure and function are either unavailable or do not agree on the potential impact of this missense change (SIFT: "Deleterious"; PolyPhen-2: "Probably Damaging"; Align-GVGD: "Class C0"). This variant has not been reported in the literature in individuals affected with SZT2-related conditions. This variant is present in population databases (no rsID available, gnomAD 0.003%). This sequence change replaces serine, which is neutral and polar, with tyrosine, which is neutral and polar, at codon 27 of the SZT2 protein (p.Ser27Tyr).